The following is an entry in ClinVar:

NM_000053.4(ATP7B):c.2145C>T (p.Tyr715=)

Gene: ATP7B (ATPase copper transporting beta; minus strand). Cytogenetic location: 13q14.3.
Variant type: single nucleotide variant.
Coding change: c.2145C>T on transcript NM_000053.4 (MANE Select); coding-DNA position 2145, C replaced by T.
Protein change: p.Tyr715=; no amino-acid change (tyrosine 715 retained).
Molecular consequence: synonymous variant. On other transcripts: intron variant (2).
Genome position (GRCh38, 1-based): chr13:51,958,521, G>A on the plus strand (C>T on the coding strand, the complement: ATP7B is on the minus strand). VCF-style: chr13-51958521-G-A. GRCh37 (hg19) VCF-style: chr13-52532657-G-A.
Other names: c.1812C>T, p.Tyr604= (NM_001243182.2); c.1893C>T, p.Tyr631= (NM_001330579.2); c.1870-914C>T (NM_001005918.3); c.2122-914C>T (NM_001330578.2).
Identifiers: ClinVar variation 756012 (VCV000756012.69), dbSNP rs751202110, ClinGen allele CA6989098.

ClinVar aggregate classification (germline): Conflicting classifications of pathogenicity. Review status: criteria provided, conflicting classifications (1 of 4 stars). 14 submissions from 14 submitters: Pathogenic (1); Likely pathogenic (3); Uncertain significance (7); Likely benign (3). Last evaluated 2026-02-01.

Conditions:
ATP7B-related disorder. Also called: ATP7B-related condition.
Wilson disease (WND). Also called: Wilson's disease. Identifiers: Orphanet 905, MedGen C0019202, MONDO:0010200, OMIM 277900. Disease mechanism: loss of function.

Allele frequency attached by ClinVar (database versions not stated): gnomAD 0.00001 and 0.00003; TOPMed 0.00006; ExAC 0.00013.
gnomAD v4.1: 97 of 1,614,048 alleles (0.006%); highest among the groups gnomAD compares: South Asian, 0.057%; no homozygotes.

Submissions (14):

CeGaT Center for Human Genetics Tuebingen
Classification: Uncertain significance. Last evaluated: 2026-02-01. Review status: criteria provided, single submitter. Criteria: CeGaT Center For Human Genetics Tuebingen Variant Classification Criteria Version 2. Collection method: clinical testing. Allele origin: germline. Affected: yes. Observed: 2 variant alleles.
Comment: ATP7B: PM3:Strong, PM2, PP4, BP4, BP7

PreventionGenetics, part of Exact Sciences
Classification: Uncertain significance for ATP7B-related condition. Last evaluated: 2026-01-26. Review status: criteria provided, single submitter. Criteria: ACMG Guidelines, 2015. Collection method: clinical testing. Allele origin: germline.
Comment: The ATP7B c.2145C>T variant is not predicted to result in an amino acid change (p.=). This variant has been reported along with a second pathogenic ATP7B variant in two individuals with Wilson disease (WD), in the compound heterozygous state in one individual with WD, and in multiple individuals with WD in whom the presence of a second ATP7B variant was either unknown or not specified (Gupta et al. 2005. PubMed ID: 16133174; Li et al. 2012. PubMed ID: 23235335; Aggarwal et al. 2013. PubMed ID: 23551039; Simsek Papur et al. 2013. PubMed ID: 23333878; Dong et al. 2016. PubMed ID: 27022412; Xiao et al. 2021. PubMed ID: 34324271; Xu et al. 2022. PubMed ID: 36343861). However, this variant is not predicted to impact splicing based on an available splicing prediction program (SpliceAI, Jaganathan et al. 2019. PubMed ID: 30661751) and did not impact splicing in a minigene assay (Supplemental Figure S1, Xu et al. 2022. PubMed ID: 36343861). This variant is reported in 0.069% of alleles in individuals of South Asian descent in gnomAD and has conflicting classifications in the ClinVar database ranging from likely benign to likely pathogenic (Variation ID: 756012). At this time, the clinical significance of this variant is uncertain due to the absence of conclusive functional and genetic evidence.

Labcorp Genetics (formerly Invitae), Labcorp
Classification: Pathogenic for Wilson disease. Last evaluated: 2025-11-15. Review status: criteria provided, single submitter. Criteria: Invitae Variant Classification Sherloc (09022015). Collection method: clinical testing. Allele origin: germline.
Comment: This sequence change affects codon 715 of the ATP7B mRNA. It is a 'silent' change, meaning that it does not change the encoded amino acid sequence of the ATP7B protein. This variant is present in population databases (rs751202110, gnomAD 0.07%). This variant has been observed in individual(s) with Wilson disease (PMID: 23235335, 23333878, 23551039, 34324271). In at least one individual the data is consistent with being in trans (on the opposite chromosome) from a pathogenic variant. ClinVar contains an entry for this variant (Variation ID: 756012). Algorithms developed to predict the effect of sequence changes on RNA splicing suggest that this variant is not likely to affect RNA splicing. For these reasons, this variant has been classified as Pathogenic.

Natera, Inc.
Classification: Likely pathogenic for Wilson disease. Last evaluated: 2025-10-01. Review status: criteria provided, single submitter. Criteria: Natera Variant Classification Schema (03/2026). Collection method: clinical testing. Allele origin: germline.
Comment: The c.2145C>T variant in ATP7B is a synonymous variant that does not alter the encoded amino acid at position 715 (p.Y715=). This variant is rare in the general population with a frequency below the threshold expected for the associated phenotype(s). This variant has been observed in one or more individuals affected with the associated recessive disease, as either homozygous or compound heterozygous with a second variant (PMID: 34324271, 23235335, 23333878, 23551039, 37737146). Given the available evidence, this variant is classified as Likely Pathogenic.

Color Diagnostics, LLC DBA Color Health
Classification: Uncertain significance for Wilson disease. Last evaluated: 2025-09-25. Review status: criteria provided, single submitter. Criteria: ACMG Guidelines, 2015. Collection method: clinical testing. Allele origin: germline.
Comment: This synonymous variant causes a C>T nucleotide change in exon 8 of the ATP7B gene. Splice site prediction tools and RNA studies are inconclusive regarding the impact of this variant on RNA splicing (PMID: 34324271, 36343861, 40557282). This variant has been reported in individuals affected with Wilson disease (PMID: 16133174, 23235335, 23333878, 23551039, 34324271, 35220961, 36112267, 36343861, 37737146, 40557282DOI: 10.1016/j.aohep.2024.101614ClinVar Variation ID: 756012). In a number of these affected individuals, this variant has been determined to be compound heterozygous with another pathogenic variant in the same gene (PMID: 23551039, 34324271, 40557282ClinVar Variation ID: 756012). This variant has been identified in 29/280738 chromosomes in the general population by the Genome Aggregation Database (gnomAD). Although there is a suspicion for a pathogenic role, the available evidence is insufficient to determine the role of this variant in disease conclusively. Therefore, this variant is classified as a Variant of Uncertain Significance.

Women's Health and Genetics/Laboratory Corporation of America, LabCorp
Classification: Likely pathogenic for Wilson disease. Last evaluated: 2025-08-15. Review status: criteria provided, single submitter. Criteria: LabCorp Variant Classification Summary - May 2015. Collection method: clinical testing. Allele origin: germline.
Comment: Variant summary: ATP7B c.2145C>T alters a conserved nucleotide resulting in a synonymous change. Consensus agreement among computation tools predict no significant impact on normal splicing. However, these predictions have yet to be confirmed by functional studies. The variant allele was found at a frequency of 0.00011 in 249438 control chromosomes. This frequency is not significantly higher than estimated for a pathogenic variant in ATP7B causing Wilson Disease (0.00011 vs 0.0054), allowing no conclusion about variant significance. c.2145C>T has been observed in individual(s) affected with Wilson Disease (Aggarwal_2013, Li_2013, Simsek_2013, Xiao_2021). These data indicate that the variant may be associated with disease. To our knowledge, no experimental evidence demonstrating an impact on protein function has been reported. The following publications have been ascertained in the context of this evaluation (PMID: 23551039, 23235335, 23333878, 34324271). ClinVar contains an entry for this variant (Variation ID: 756012). Based on the evidence outlined above, the variant was classified as likely pathogenic.

Blueprint Genetics
Classification: Uncertain significance. Last evaluated: 2024-09-27. Review status: criteria provided, single submitter. Criteria: ACMG Guidelines, 2015. Collection method: clinical testing. Allele origin: germline.

Lildballe Lab, Aarhus University Hospital
Classification: Likely benign for Wilson disease. Last evaluated: 2024-08-29. Review status: criteria provided, single submitter. Criteria: ACMG Guidelines, 2015. Collection method: clinical testing. Allele origin: germline. Affected: yes.
Comment: PM2, PP5, BP4, BP7

GeneDx
Classification: Uncertain significance. Last evaluated: 2024-07-05. Review status: criteria provided, single submitter. Criteria: GeneDx Variant Classification Process June 2021. Collection method: clinical testing. Allele origin: germline. Affected: yes.
Comment: RNA studies suggest this variant does not effect splicing (PMID: 36343861); In silico analysis indicates that this variant does not alter splicing; Nucleotide is not conserved across species and the substitution has no predicted effect on splicing; This variant is associated with the following publications: (PMID: 37737146, 27022412, 23551039, 23333878, 16133174, 36343861, 23235335, 34324271)

Fulgent Genetics
Classification: Likely pathogenic for Wilson disease. Last evaluated: 2024-06-11. Review status: criteria provided, single submitter. Criteria: ACMG Guidelines, 2015. Collection method: clinical testing. Allele origin: germline.

Genome-Nilou Lab
Classification: Likely benign for Wilson disease. Last evaluated: 2021-08-10. Review status: criteria provided, single submitter. Criteria: ACMG Guidelines, 2015. Collection method: clinical testing. Allele origin: germline. Affected: no.

Foundation for Research in Genetics and Endocrinology, FRIGE's Institute of Human Genetics
Classification: Uncertain significance for Wilson disease. Last evaluated: 2021-01-07. Review status: criteria provided, single submitter. Criteria: ACMG Guidelines, 2015. Collection method: clinical testing. Allele origin: germline. Inheritance: Autosomal recessive inheritance. Affected: yes. Observed: 1 variant allele, 1 compound heterozygote.
Comment: A heterozygous missense variation in exon 8 of the ATP7B gene that results in the amino acid substitution of Cysteine for Arginine at codon 715 was detected. The c. 2145C>T (p.Tyr715(=)) variant has not been reported in the 1000 genomes database and has a minor allele frequency of 0.01% in the gnomAD database. The in silico prediction of the variant is damaging by MutationTaster2. The variant is found in trans of a known pathogenic variant c.3182G>A. The reference codon is conserved across species. In summary, the variant meets our criteria to be classified as a variant of uncertain significance.

ARUP Laboratories, Molecular Genetics and Genomics, ARUP Laboratories
Classification: Likely benign for Wilson disease. Last evaluated: 2018-08-07. Review status: criteria provided, single submitter. Criteria: ARUP Molecular Germline Variant Investigation Process. Collection method: clinical testing. Allele origin: germline.

Neuberg Centre For Genomic Medicine, NCGM
Classification: Uncertain significance for Wilson disease. Review status: criteria provided, single submitter. Criteria: ACMG Guidelines, 2015. Collection method: clinical testing. Allele origin: germline. Inheritance: Autosomal recessive inheritance. Affected: yes.
Comment: The observed synonymous variant c.2145C>T(p.Tyr715) in the ATP7B gene has been reported previously in individuals affected with Wilson disease (Xiao Z, et al., 2021; Simsek Papur O, et al., 2013; Li K, et al., 2013). This variant is reported with the allele frequency 0.01% in the gnomAD Exomes. This variant has been reported to the ClinVar database as Pathogenic/Uncertain significance/Likely benign. This p.Tyr715 type of mutation causes no change in the protein that is produced, which is why it's considered as synonymous mutation. This variant is absent in the gnomAD Exomes. It is predicted to be Benign as per SpliceAI prediction tool. The available evidence is not sufficient to prove the pathogenicity of this variant. For these reasons, this variant has been classified as Uncertain significance.

Literature cited by the submitters: PubMed 23235335 (cited by 4 submitters); PubMed 23333878 (cited by 4 submitters); PubMed 23551039 (cited by 4 submitters); PubMed 34324271 (cited by 4 submitters); PubMed 37737146 (cited by Natera, Inc. and Color Diagnostics, LLC DBA Color Health); PubMed 16133174 (cited by Color Diagnostics, LLC DBA Color Health); PubMed 35220961 (cited by Color Diagnostics, LLC DBA Color Health); PubMed 36112267 (cited by Color Diagnostics, LLC DBA Color Health); PubMed 36343861 (cited by Color Diagnostics, LLC DBA Color Health); PubMed 40557282 (cited by Color Diagnostics, LLC DBA Color Health).